The following is an entry in ClinVar:

NM_007373.4(SHOC2):c.102T>G (p.Phe34Leu)

Gene: SHOC2 (SHOC2 leucine rich repeat scaffold protein; plus strand). Cytogenetic location: 10q25.2.
Variant type: single nucleotide variant.
Coding change: c.102T>G on transcript NM_007373.4 (MANE Select); coding-DNA position 102, T replaced by G.
Protein change: p.Phe34Leu; replaces phenylalanine 34 with leucine.
Molecular consequence: missense variant.
Genome position (GRCh38, 1-based): chr10:110,964,460, T>G. VCF-style: chr10-110964460-T-G. GRCh37 (hg19) VCF-style: chr10-112724218-T-G.
Other names: c.102T>G, p.Phe34Leu (NM_001269039.3, NM_001324336.2, NM_001324337.2); short protein forms F34L.
Identifiers: ClinVar variation 3011897 (VCV003011897.4), dbSNP rs764545601, ClinGen allele CA5689554.

ClinVar aggregate classification (germline): Uncertain significance. Review status: criteria provided, multiple submitters, no conflicts (2 of 4 stars). 2 submissions from 2 submitters: Uncertain significance (2). Last evaluated 2025-10-21.

Conditions:
RASopathy. Also called: Noonan spectrum disorder; rasopathies. Identifiers: Orphanet 536391, MedGen C5555857, MONDO:0021060.
Cardiovascular phenotype. Identifiers: MedGen CN230736.

Allele frequency attached by ClinVar (database versions not stated): TOPMed below 0.00001; gnomAD exomes 0.00001; ExAC 0.00003.
gnomAD v4.1: 4 of 1,613,952 alleles (0.00025%); highest among the groups gnomAD compares: Non-Finnish European, 0.00034%; no homozygotes.

Submissions (2):

Labcorp Genetics (formerly Invitae), Labcorp
Classification: Uncertain significance for RASopathy. Last evaluated: 2025-10-21. Review status: criteria provided, single submitter. Criteria: Invitae Variant Classification Sherloc (09022015). Collection method: clinical testing. Allele origin: germline.
Comment: This sequence change replaces phenylalanine, which is neutral and non-polar, with leucine, which is neutral and non-polar, at codon 34 of the SHOC2 protein (p.Phe34Leu). This variant is present in population databases (rs764545601, gnomAD 0.004%). This variant has not been reported in the literature in individuals affected with SHOC2-related conditions. ClinVar contains an entry for this variant (Variation ID: 3011897). An algorithm developed to predict the effect of missense changes on protein structure and function (PolyPhen-2) suggests that this variant is likely to be tolerated. In summary, the available evidence is currently insufficient to determine the role of this variant in disease. Therefore, it has been classified as a Variant of Uncertain Significance.

Ambry Genetics
Classification: Uncertain significance for Cardiovascular phenotype. Last evaluated: 2025-05-02. Review status: criteria provided, single submitter. Criteria: Ambry Variant Classification Scheme 2023. Collection method: clinical testing. Allele origin: germline.